The following continues an entry in ClinVar:

NM_000092.5(COL4A4):c.3532G>A (p.Gly1178Ser)

Gene: COL4A4. ClinVar aggregate classification (germline): Conflicting classifications of pathogenicity. Pathogenic (1); Likely pathogenic (8); Uncertain significance (5).

Submissions 12 to 14 of 14:

GeneDx
Classification: Uncertain significance. Last evaluated: 2022-09-14. Review status: criteria provided, single submitter. Criteria: GeneDx Variant Classification Process June 2021. Collection method: clinical testing. Allele origin: germline. Affected: yes.
Comment: In silico analysis supports that this missense variant has a deleterious effect on protein structure/function; Affects a glycine residue in a Gly-X-Y motif in the triple helical region of the COL4A4 gene; Has not been previously published as pathogenic or benign to our knowledge

Victorian Clinical Genetics Services, Murdoch Childrens Research Institute
Classification: Likely pathogenic for Alport syndrome. Last evaluated: 2022-06-24. Review status: criteria provided, single submitter. Criteria: ACMG Guidelines, 2015. Collection method: clinical testing. Allele origin: germline. Affected: yes.
Comment: Based on the classification scheme VCGS_Germline_v1.3.4, this variant is classified as Likely pathogenic. Following criteria are met: 0103 - Loss of function is a known mechanism of disease for this gene and is associated with COL4A4-related nephropathy. Dominant negative is a suspected mechanism of disease for this gene as it is a structural protein (PMIDs: 12028435, 24046192). (I) 0108 - This gene is associated with both recessive and dominant disease. Alport syndrome typically has biallelic inheritance, although rare cases of monoallelic inheritance have been reported (PMID: 28704582). TBMN and focal segmental glomerulosclerosis (FSGS) are associated with autosomal dominant inheritance (OMIM, PMIDs: 16467446, 17942953). (I) 0200 - Variant is predicted to result in a missense amino acid change from glycine to serine. (I) 0251 - This variant is heterozygous. (I) 0304 - Variant is present in gnomAD <0.01 for a recessive condition (v2: 24 heterozygotes, 0 homozygotes). (SP) 0501 - Missense variant consistently predicted to be damaging by multiple in silico tools or highly conserved with a major amino acid change. (SP) 0601 - Variant is located in the well-established functional triple helical domain. It affects the Gly of Gly-X-Y repeat (UCSC, Uniprot). (SP) 0705 - No comparable missense variants have previous evidence for pathogenicity. (I) 0809 - Previous evidence of pathogenicity for this variant is inconclusive. It has been classified as a VUS by a diagnostic laboratory in ClinVar. (I) 0905 - No published segregation evidence has been identified for this variant. (I) 1007 - No published functional evidence has been identified for this variant. (I) 1208 - Inheritance information for this variant is not currently available in this individual. (I) Legend: (SP) - Supporting pathogenic, (I) - Information, (SB) - Supporting benign

Clinical Genetics Service, Universitary Hospital 12 de Octubre
Classification: Likely pathogenic for Hematuria, benign familial, 1. Review status: criteria provided, single submitter. Criteria: ACMG Guidelines, 2015. Collection method: clinical testing. Allele origin: germline. Affected: yes.

Literature cited by the submitters: PubMed 36925663 (cited by 3 submitters); PubMed 12028435 (cited by Victorian Clinical Genetics Services, Murdoch Childrens Research Institute); PubMed 16467446 (cited by Victorian Clinical Genetics Services, Murdoch Childrens Research Institute); PubMed 17942953 (cited by Victorian Clinical Genetics Services, Murdoch Childrens Research Institute); PubMed 24046192 (cited by Victorian Clinical Genetics Services, Murdoch Childrens Research Institute); PubMed 28704582 (cited by Victorian Clinical Genetics Services, Murdoch Childrens Research Institute).